The following is an entry in ClinVar:

ClinVar aggregate classification (germline): Uncertain significance (1 of 4 stars; one submission).

Allele frequency attached by ClinVar (database versions not stated): TOPMed below 0.00001.
gnomAD v4.1: 2 of 1,614,078 alleles (0.00012%); highest among the groups gnomAD compares: Non-Finnish European, 0.00017%; no homozygotes.

Submission:

Labcorp Genetics (formerly Invitae), Labcorp
Classification: Uncertain significance. Last evaluated: 2023-02-23. Review status: criteria provided, single submitter. Criteria: Invitae Variant Classification Sherloc (09022015). Collection method: clinical testing. Allele origin: germline.
Comment: This variant is present in population databases (no rsID available, gnomAD 0.0009%). This sequence change replaces valine, which is neutral and non-polar, with phenylalanine, which is neutral and non-polar, at codon 607 of the SORL1 protein (p.Val607Phe). In summary, the available evidence is currently insufficient to determine the role of this variant in disease. Therefore, it has been classified as a Variant of Uncertain Significance. An algorithm developed to predict the effect of missense changes on protein structure and function (PolyPhen-2) suggests that this variant is likely to be tolerated. This variant has not been reported in the literature in individuals affected with SORL1-related conditions.

NM_003105.6(SORL1):c.1819G>T (p.Val607Phe)

Gene: SORL1 (sortilin related receptor 1; plus strand). Cytogenetic location: 11q24.1.
Variant type: single nucleotide variant.
Coding change: c.1819G>T on transcript NM_003105.6 (MANE Select); coding-DNA position 1819, G replaced by T.
Protein change: p.Val607Phe; replaces valine 607 with phenylalanine.
Molecular consequence: missense variant.
Genome position (GRCh38, 1-based): chr11:121,543,681, G>T. VCF-style: chr11-121543681-G-T. GRCh37 (hg19) VCF-style: chr11-121414390-G-T.
Other names: short protein forms V607F.
Identifiers: ClinVar variation 2840090 (VCV002840090.3), dbSNP rs1351192019, ClinGen allele CA383029428.